The following is an entry in ClinVar:

ClinVar aggregate classification (germline): Benign. Review status: criteria provided, multiple submitters, no conflicts (2 of 4 stars). 2 submissions from 2 submitters: Benign (2). Last evaluated 2018-06-14.

Allele frequency attached by ClinVar (database versions not stated): gnomAD 0.02978 and 0.03049; TOPMed 0.03223; 1000 Genomes Project 0.03395; 1000 Genomes Project 30x 0.03592.
gnomAD v4.1: 18,651 of 1,523,734 alleles (1.2%); highest among the groups gnomAD compares: African/African-American, 8.8%; 427 homozygotes.

Submissions (2):

GeneDx
Classification: Benign. Last evaluated: 2018-06-14. Review status: criteria provided, single submitter. Criteria: GeneDx Variant Classification (06012015). Collection method: clinical testing. Allele origin: germline. Affected: yes.
Comment: This variant is considered likely benign or benign based on one or more of the following criteria: it is a conservative change, it occurs at a poorly conserved position in the protein, it is predicted to be benign by multiple in silico algorithms, and/or has population frequency not consistent with disease.

Breakthrough Genomics
Classification: Benign. Review status: criteria provided, single submitter. Criteria: ACMG Guidelines, 2015. Collection method: not provided. Allele origin: germline. Inheritance: Autosomal dominant inheritance. Affected: yes.

NM_001376.5(DYNC1H1):c.6618+72G>A

Gene: DYNC1H1 (dynein cytoplasmic 1 heavy chain 1; plus strand). Cytogenetic location: 14q32.31.
Variant type: single nucleotide variant.
Coding change: c.6618+72G>A on transcript NM_001376.5 (MANE Select); 72 bases into the intron after coding-DNA position 6618, G replaced by A.
Molecular consequence: intron variant.
Genome position (GRCh38, 1-based): chr14:102,011,024, G>A. VCF-style: chr14-102011024-G-A. GRCh37 (hg19) VCF-style: chr14-102477361-G-A.
Identifiers: ClinVar variation 677280 (VCV000677280.2), dbSNP rs2749897, ClinGen allele CA14045840.